The following is an entry in ClinVar:

ClinVar aggregate classification (germline): Benign/Likely benign. Review status: criteria provided, multiple submitters, no conflicts (2 of 4 stars). 5 submissions from 5 submitters: Benign (4); Likely benign (1). Last evaluated 2026-01-26.

Conditions:
Emery-Dreifuss muscular dystrophy 5, autosomal dominant (EDMD5). Also called: EMERY-DREIFUSS MUSCULAR DYSTROPHY 5. Identifiers: Orphanet 261, MedGen C2751805, MONDO:0013072, OMIM 612999.

Allele frequency attached by ClinVar (database versions not stated): ESP Exome Variant Server 0.00023; TOPMed 0.00398; 1000 Genomes Project 30x 0.01624; 1000 Genomes Project 0.01777.
gnomAD v4.1: 3,776 of 1,613,814 alleles (0.23%); highest among the groups gnomAD compares: East Asian, 7%; 144 homozygotes.

Submissions (5):

Labcorp Genetics (formerly Invitae), Labcorp
Classification: Benign for Emery-Dreifuss muscular dystrophy 5, autosomal dominant. Last evaluated: 2026-01-26. Review status: criteria provided, single submitter. Criteria: Invitae Variant Classification Sherloc (09022015). Collection method: clinical testing. Allele origin: germline.

Fulgent Genetics
Classification: Likely benign for Emery-Dreifuss muscular dystrophy 5, autosomal dominant. Last evaluated: 2022-04-06. Review status: criteria provided, single submitter. Criteria: ACMG Guidelines, 2015. Collection method: clinical testing. Allele origin: unknown.

GeneDx
Classification: Benign. Last evaluated: 2020-05-18. Review status: criteria provided, single submitter. Criteria: GeneDx Variant Classification Process June 2021. Collection method: clinical testing. Allele origin: germline. Affected: yes.

Illumina Laboratory Services, Illumina
Classification: Benign for Emery-Dreifuss muscular dystrophy 5, autosomal dominant. Last evaluated: 2018-01-13. Review status: criteria provided, single submitter. Criteria: ICSL Variant Classification Criteria 13 December 2019. Collection method: clinical testing. Allele origin: germline.
Comment: This variant was observed in the ICSL laboratory as part of a predisposition screen in an ostensibly healthy population. It had not been previously curated by ICSL or reported in the Human Gene Mutation Database (HGMD: prior to June 1st, 2018), and was therefore a candidate for classification through an automated scoring system. Utilizing variant allele frequency, disease prevalence and penetrance estimates, and inheritance mode, an automated score was calculated to assess if this variant is too frequent to cause the disease. Based on the score and internal cut-off values, a variant classified as benign is not then subjected to further curation. The score for this variant resulted in a classification of benign for this disease.

Breakthrough Genomics
Classification: Benign. Review status: criteria provided, single submitter. Criteria: ACMG Guidelines, 2015. Collection method: not provided. Allele origin: germline. Inheritance: Autosomal dominant inheritance. Affected: yes.

NM_182914.3(SYNE2):c.16479+15T>G

Gene: SYNE2 (spectrin repeat containing nuclear envelope protein 2; plus strand). Cytogenetic location: 14q23.2.
Variant type: single nucleotide variant.
Coding change: c.16479+15T>G on transcript NM_182914.3 (MANE Select); 15 bases into the intron after coding-DNA position 16479, T replaced by G.
Molecular consequence: intron variant.
Genome position (GRCh38, 1-based): chr14:64,163,596, T>G. VCF-style: chr14-64163596-T-G. GRCh37 (hg19) VCF-style: chr14-64630314-T-G.
Other names: c.16479+15T>G (NM_015180.6).
Identifiers: ClinVar variation 313623 (VCV000313623.17), dbSNP rs80199180, ClinGen allele CA7223382.
Genomic context (GRCh38, chr14:64,163,596, plus strand): 5'-TGCTTATTTGGAAAAGATGCTGCTTGTGAAAGCAAATGAATTTGAGGTTCATCTTTTCTT[T>G]CCATTCAAGTTTTAGTCTTAGACATTTGCATTCCATCCTCAATCCCTTGTATCCTTTGAA-3'